The following is an entry in ClinVar:

NM_001164277.2(SLC37A4):c.1243C>T (p.Arg415Ter)

Gene: SLC37A4 (solute carrier family 37 member 4; minus strand). Cytogenetic location: 11q23.3.
Variant type: single nucleotide variant.
Coding change: c.1243C>T on transcript NM_001164277.2 (MANE Select); coding-DNA position 1243, C replaced by T.
Protein change: p.Arg415Ter; replaces arginine 415 with a stop codon.
Molecular consequence: nonsense.
Genome position (GRCh38, 1-based): chr11:119,024,957, G>A on the plus strand (C>T on the coding strand, the complement: SLC37A4 is on the minus strand). VCF-style: chr11-119024957-G-A. GRCh37 (hg19) VCF-style: chr11-118895667-G-A.
Other names: c.1309C>T, p.Arg437Ter (NM_001164278.2); c.1024C>T, p.Arg342Ter (NM_001164279.2); c.1243C>T, p.Arg415Ter (NM_001164280.2, NM_001467.6); short protein forms R415*, R342*, R437*.
Identifiers: ClinVar variation 6934 (VCV000006934.19), dbSNP rs121908979, ClinGen allele CA254006.
Genomic context (GRCh38, chr11:119,024,957, plus strand): 5'-ACCTGGACTCTCTTCACTCAGCCTTCTTGGACACTCGGCCCATCTTGGTGCGGATGTTTC[G>A]TAGGAGGAAGAAGGCAGCCGTGCTGGCCGCACAAATCACTTCAGCCACCCAGAAGGCTGT-3'

ClinVar aggregate classification (germline): Pathogenic/Likely pathogenic. Review status: criteria provided, multiple submitters, no conflicts (2 of 4 stars). 10 submissions from 10 submitters: Pathogenic (6); Likely pathogenic (3). 1 of the submissions does not count toward it. Last evaluated 2025-11-27.

Conditions:
Congenital disorder of glycosylation, type IIw. Identifiers: MedGen C5561986, MONDO:0030437, OMIM 619525.
Phosphate transport defect (GSD1C). Also called: GLYCOGEN STORAGE DISEASE Ic; GSD Ic. Identifiers: Orphanet 364, Orphanet 79259, MedGen C0342749, OMIM 232240.
Glucose-6-phosphate transport defect (GSD1B). Also called: GSD Ib; Glycogen Storage Disease Type Ib. Identifiers: Orphanet 364, Orphanet 79259, MedGen C0268146, MONDO:0009288, OMIM 232220.

Allele frequency attached by ClinVar (database versions not stated): gnomAD exomes 0.00004 and 0.00002; ExAC 0.00004; TOPMed 0.00002.

Submissions (10):

3billion
Classification: Likely pathogenic for Glucose-6-phosphate transport defect. Last evaluated: 2025-11-27. Review status: criteria provided, single submitter. Criteria: ACMG Guidelines, 2015. Collection method: clinical testing. Allele origin: germline. Affected: yes.
Comment: The variant is observed at an extremely low frequency in the gnomAD v4.1.0 dataset (total allele frequency: 0.002%). Predicted Consequence/Location: Stop-gained (nonsense): predicted to result in a loss or disruption of normal protein function through protein truncation. The predicted truncated protein may be shortened by less than 10%. The variant has been reported at least twice as pathogenic with clinical assertions and evidence for the classification (ClinVar ID: VCV000006934 /PMID: 10482962). Therefore, this variant is classified as Likely pathogenic according to the recommendation of ACMG/AMP guideline.

First Genomix Gene Laboratory, Genetic Diagnostics Department
Classification: Pathogenic for Glucose-6-phosphate transport defect; Phosphate transport defect. Last evaluated: 2025-09-19. Review status: criteria provided, single submitter. Criteria: ACMG Guidelines, 2015. Collection method: clinical testing. Allele origin: germline. Inheritance: Autosomal recessive inheritance. Affected: no. Observed: 1 variant allele.

Labcorp Genetics (formerly Invitae), Labcorp
Classification: Pathogenic for Glucose-6-phosphate transport defect. Last evaluated: 2025-04-01. Review status: criteria provided, single submitter. Criteria: Invitae Variant Classification Sherloc (09022015). Collection method: clinical testing. Allele origin: germline.
Comment: This sequence change creates a premature translational stop signal (p.Arg415*) in the SLC37A4 gene. While this is not anticipated to result in nonsense mediated decay, it is expected to disrupt the last 15 amino acid(s) of the SLC37A4 protein. This variant is present in population databases (rs121908979, gnomAD 0.03%). This premature translational stop signal has been observed in individual(s) with glycogen storage disease 1b (PMID: 10482962, 10931421, 15059622, 21575371). This variant is also known as 1412C>T. ClinVar contains an entry for this variant (Variation ID: 6934). Algorithms developed to predict the effect of sequence changes on RNA splicing suggest that this variant may disrupt the consensus splice site. This variant disrupts the C-terminus of the SLC37A4 protein. Other variant(s) that disrupt this region (p.Lys426Glnfs*4) have been observed in individuals with SLC37A4-related conditions (PMID: 24385852). This suggests that this may be a clinically significant region of the protein. For these reasons, this variant has been classified as Pathogenic.

Natera, Inc.
Classification: Likely pathogenic for Glycogen storage disease type Ib. Last evaluated: 2024-10-06. Review status: criteria provided, single submitter. Criteria: Natera Variant Classification Schema (03/2026). Collection method: clinical testing. Allele origin: germline.
Comment: The c.1243C>T variant in SLC37A4 is a nonsense variant predicted to introduce a stop codon at amino acid 415. This variant may result in a truncated or dysfunctional protein product. This variant is rare in the general population with a frequency below the threshold expected for the associated phenotype(s). This variant has been observed in one or more individuals affected with the associated recessive disease, as either homozygous or compound heterozygous with a second variant (PMID: 31587472, 19454374). Given the available evidence, this variant is classified as Likely Pathogenic.

Genomic Medicine Center of Excellence, King Faisal Specialist Hospital and Research Centre
Classification: Pathogenic for Congenital disorder of glycosylation, type IIw. Last evaluated: 2024-03-26. Review status: criteria provided, single submitter. Criteria: ACMG Guidelines, 2015. Collection method: clinical testing. Allele origin: germline.

Baylor Genetics
Classification: Pathogenic for Glucose-6-phosphate transport defect. Last evaluated: 2024-02-25. Review status: criteria provided, single submitter. Criteria: ACMG Guidelines, 2015. Collection method: clinical testing. Allele origin: unknown.

Fulgent Genetics
Classification: Likely pathogenic for Glucose-6-phosphate transport defect; Phosphate transport defect; Congenital disorder of glycosylation, type IIw. Last evaluated: 2022-04-15. Review status: criteria provided, single submitter. Criteria: ACMG Guidelines, 2015. Collection method: clinical testing. Allele origin: unknown.

Women's Health and Genetics/Laboratory Corporation of America, LabCorp
Classification: Pathogenic for Glucose-6-phosphate transport defect. Last evaluated: 2021-05-19. Review status: criteria provided, single submitter. Criteria: LabCorp Variant Classification Summary - May 2015. Collection method: clinical testing. Allele origin: germline.
Comment: Variant summary: SLC37A4 c.1243C>T (p.Arg415X) results in a premature termination codon, predicted to cause a truncation of the encoded protein or absence of the protein due to nonsense mediated decay, which are commonly known mechanisms for disease. Truncations downstream of this position have been classified as pathogenic by our laboratory. The variant allele was found at a frequency of 4.4e-05 in 249028 control chromosomes. This frequency is not significantly higher than expected for a pathogenic variant in SLC37A4 causing Glycogen Storage Disease Type Ib (4.4e-05 vs 0.0012), allowing no conclusion about variant significance. c.1243C>T has been reported in the literature in individuals affected with Glycogen Storage Disease Type Ib (e.g. Veiga-da-Cunha_1999, Kojima_2004). Two clinical diagnostic laboratories have submitted clinical-significance assessments for this variant to ClinVar after 2014 without evidence for independent evaluation. Both laboratories classified the variant as pathogenic/likely pathogenic. Based on the evidence outlined above, the variant was classified as pathogenic.

Centre for Mendelian Genomics, University Medical Centre Ljubljana
Classification: Pathogenic for Phosphate transport defect. Last evaluated: 2019-10-10. Review status: criteria provided, single submitter. Criteria: ACMG Guidelines, 2015. Collection method: clinical testing. Allele origin: unknown. Affected: yes.
Comment: This variant was classified as: Pathogenic. The following ACMG criteria were applied in classifying this variant: PVS1,PM2,PP5.

OMIM
Classification: Pathogenic for GLYCOGEN STORAGE DISEASE Ib. Last evaluated: 1999-09-01. Review status: no assertion criteria provided. Collection method: literature only. Allele origin: germline. Not counted in ClinVar's aggregate classification.

Literature cited by the submitters: PubMed 10482962 (cited by 4 submitters); PubMed 10931421 (cited by Labcorp Genetics (formerly Invitae), Labcorp); PubMed 15059622 (cited by Labcorp Genetics (formerly Invitae), Labcorp and Women's Health and Genetics/Laboratory Corporation of America, LabCorp); PubMed 21575371 (cited by Labcorp Genetics (formerly Invitae), Labcorp); PubMed 24385852 (cited by Labcorp Genetics (formerly Invitae), Labcorp); PubMed 31587472 (cited by Natera, Inc.); PubMed 19454374 (cited by Natera, Inc.).